The following is an entry in ClinVar:

NM_004793.4(LONP1):c.146C>T (p.Ser49Phe)

Gene: LONP1 (lon peptidase 1, mitochondrial; minus strand). Cytogenetic location: 19p13.3.
Variant type: single nucleotide variant.
Coding change: c.146C>T on transcript NM_004793.4 (MANE Select); coding-DNA position 146, C replaced by T.
Protein change: p.Ser49Phe; replaces serine 49 with phenylalanine.
Molecular consequence: missense variant. On other transcripts: intron variant (2).
Genome position (GRCh38, 1-based): chr19:5,719,987, G>A on the plus strand (C>T on the coding strand, the complement: LONP1 is on the minus strand). VCF-style: chr19-5719987-G-A. GRCh37 (hg19) VCF-style: chr19-5719998-G-A.
Other names: c.-160+232C>T (NM_001276480.1); c.124+22C>T (NM_001276479.2); short protein forms S49F.
Identifiers: ClinVar variation 1383407 (VCV001383407.8), dbSNP rs1282360301, ClinGen allele CA403544292.

ClinVar aggregate classification (germline): Uncertain significance (1 of 4 stars; one submission).

Allele frequency attached by ClinVar (database versions not stated): gnomAD 0.00001; TOPMed 0.00001; gnomAD exomes 0.00002.
gnomAD v4.1: 26 of 1,582,794 alleles (0.0016%); highest among the groups gnomAD compares: Admixed American, 0.0036%; no homozygotes.

Submission:

Labcorp Genetics (formerly Invitae), Labcorp
Classification: Uncertain significance. Last evaluated: 2022-07-26. Review status: criteria provided, single submitter. Criteria: Invitae Variant Classification Sherloc (09022015). Collection method: clinical testing. Allele origin: germline.
Comment: This sequence change replaces serine, which is neutral and polar, with phenylalanine, which is neutral and non-polar, at codon 49 of the LONP1 protein (p.Ser49Phe). In summary, the available evidence is currently insufficient to determine the role of this variant in disease. Therefore, it has been classified as a Variant of Uncertain Significance. Algorithms developed to predict the effect of missense changes on protein structure and function output the following: SIFT: "Deleterious"; PolyPhen-2: "Benign"; Align-GVGD: "Class C0". The phenylalanine amino acid residue is found in multiple mammalian species, which suggests that this missense change does not adversely affect protein function. ClinVar contains an entry for this variant (Variation ID: 1383407). This variant has not been reported in the literature in individuals affected with LONP1-related conditions. The frequency data for this variant in the population databases is considered unreliable, as metrics indicate poor data quality at this position in the gnomAD database.